The following is an entry in ClinVar:

ClinVar aggregate classification (germline): Uncertain significance. Review status: criteria provided, multiple submitters, no conflicts (2 of 4 stars). 3 submissions from 3 submitters: Uncertain significance (3). Last evaluated 2026-08-06.

Conditions:
Developmental and epileptic encephalopathy, 50 (DEE50). Also called: Epileptic encephalopathy, early infantile, 50. Identifiers: Orphanet 448010, MedGen C4225320, MONDO:0014647, OMIM 616457.

Allele frequency attached by ClinVar (database versions not stated): gnomAD exomes 0.00005; ExAC 0.00006.
gnomAD v4.1: 66 of 1,614,240 alleles (0.0041%); highest among the groups gnomAD compares: Non-Finnish European, 0.0053%; no homozygotes.

Submissions (3):

OLLIN Analises Genomicas, OLLIN
Classification: Uncertain significance for Developmental and epileptic encephalopathy, 50. Last evaluated: 2026-08-06. Review status: criteria provided, single submitter. Criteria: ACMG Guidelines 2015 PMID 25741868. Collection method: clinical testing. Allele origin: germline. Inheritance: Autosomal recessive inheritance.
Comment: This missense variant, located in exon 17 (of 44), has been reported in ClinVar (accession VCV001431248.6) and in gnomAD with an allele frequency of 0.00409%. However, to our knowledge, it has not been reported in the scientific literature. In silico analysis is inconclusive regarding the impact of this variant. According to the currently available evidence, this variant has been classified as uncertain significance (PM2_P).

Blueprint Genetics
Classification: Uncertain significance. Last evaluated: 2024-10-29. Review status: criteria provided, single submitter. Criteria: ACMG Guidelines, 2015. Collection method: clinical testing. Allele origin: germline.

Labcorp Genetics (formerly Invitae), Labcorp
Classification: Uncertain significance. Last evaluated: 2024-09-03. Review status: criteria provided, single submitter. Criteria: Invitae Variant Classification Sherloc (09022015). Collection method: clinical testing. Allele origin: germline.
Comment: This sequence change replaces lysine, which is basic and polar, with asparagine, which is neutral and polar, at codon 841 of the CAD protein (p.Lys841Asn). This variant is present in population databases (rs759739691, gnomAD 0.01%). This variant has not been reported in the literature in individuals affected with CAD-related conditions. ClinVar contains an entry for this variant (Variation ID: 1431248). Invitae Evidence Modeling of protein sequence and biophysical properties (such as structural, functional, and spatial information, amino acid conservation, physicochemical variation, residue mobility, and thermodynamic stability) indicates that this missense variant is not expected to disrupt CAD protein function with a negative predictive value of 80%. In summary, the available evidence is currently insufficient to determine the role of this variant in disease. Therefore, it has been classified as a Variant of Uncertain Significance.

NM_004341.5(CAD):c.2523G>T (p.Lys841Asn)

Genes: CAD (carbamoyl-phosphate synthetase 2, aspartate transcarbamylase, and dihydroorotase; plus strand), LOC126806171 (BRD4-independent group 4 enhancer GRCh37_chr2:27454350-27455549; plus strand). Cytogenetic location: 2p23.3.
Variant type: single nucleotide variant.
Coding change: c.2523G>T on transcript NM_004341.5 (MANE Select); coding-DNA position 2523, G replaced by T.
Protein change: p.Lys841Asn; replaces lysine 841 with asparagine.
Molecular consequence: missense variant.
Genome position (GRCh38, 1-based): chr2:27,232,102, G>T. VCF-style: chr2-27232102-G-T. GRCh37 (hg19) VCF-style: chr2-27454970-G-T.
Other names: c.2334G>T, p.Lys778Asn (NM_001306079.2); short protein forms K778N, K841N.
Identifiers: ClinVar variation 1431248 (VCV001431248.8), dbSNP rs759739691, ClinGen allele CA1573038.